The following is an entry in ClinVar:

NM_153676.4(USH1C):c.104+1G>A

Gene: USH1C (USH1 protein network component harmonin; minus strand). Cytogenetic location: 11p15.1.
Variant type: single nucleotide variant.
Coding change: c.104+1G>A on transcript NM_153676.4 (MANE Select); the canonical splice donor site of the intron after coding-DNA position 104, G replaced by A.
Molecular consequence: splice donor variant.
Genome position (GRCh38, 1-based): chr11:17,533,254, C>T on the plus strand (G>A on the coding strand, the complement: USH1C is on the minus strand). VCF-style: chr11-17533254-C-T. GRCh37 (hg19) VCF-style: chr11-17554801-C-T.
Other names: c.104+1G>A (NM_001297764.2, NM_005709.4, NM_153676.3).
Identifiers: ClinVar variation 556011 (VCV000556011.16), dbSNP rs1287021691, ClinGen allele CA379800254.
Genomic context (GRCh38, chr11:17,533,254, plus strand): 5'-AGGGCTCCCTGAAGACAAAGGAACCCAAGTGGCCCACAAGAGCTGGACCCAGCACACTTA[C>T]TGGTGGTACATTCGCAGCACATCATAGAGATAGTCCTTCTCTGCATCATTTTCAATCAGA-3'

ClinVar aggregate classification (germline): Pathogenic/Likely pathogenic. Review status: criteria provided, multiple submitters, no conflicts (2 of 4 stars). 6 submissions from 6 submitters: Pathogenic (1); Likely pathogenic (4). 1 of the submissions does not count toward it. Last evaluated 2026-09-15.

Conditions:
USH1C-related disorder. Also called: USH1C-related condition.
Usher syndrome type 1C. Also called: USHER SYNDROME, TYPE I, ACADIAN VARIETY. Identifiers: Orphanet 231169, Orphanet 886, MedGen C1848604, MONDO:0010171, OMIM 276904.
Autosomal recessive nonsyndromic hearing loss 18A. Also called: Deafness, autosomal recessive 18A; DEAFNESS, AUTOSOMAL RECESSIVE 18. Identifiers: Orphanet 90636, MedGen C1865870, MONDO:0011192, OMIM 602092.

Allele frequency attached by ClinVar (database versions not stated): TOPMed below 0.00001; gnomAD 0.00001.
gnomAD v4.1: 3 of 1,613,256 alleles (0.00019%); highest among the groups gnomAD compares: African/African-American, 0.0013%; no homozygotes.

Submissions (6):

PreventionGenetics, part of Exact Sciences
Classification: Likely pathogenic for USH1C-related condition. Last evaluated: 2026-09-15. Review status: criteria provided, single submitter. Criteria: ACMG Guidelines, 2015. Collection method: clinical testing. Allele origin: germline.
Comment: The USH1C c.104+1G>A variant is predicted to disrupt the GT donor site and interfere with normal splicing. This variant was reported along with a loss of function variant in an individual with Usher syndrome (Table S1, Bonnet et al. 2016. PubMed ID: 27460420). This variant is reported in 0.0065% of alleles in individuals of European (Non-Finnish) descent in gnomAD. Variants that disrupt the consensus splice donor site in USH1C are expected to be pathogenic. This variant is interpreted as likely pathogenic.

Natera, Inc.
Classification: Pathogenic for Usher syndrome type 1C. Last evaluated: 2025-03-31. Review status: criteria provided, single submitter. Criteria: Natera Variant Classification Schema (03/2026). Collection method: clinical testing. Allele origin: germline.
Comment: The c.104+1G>A variant in USH1C is a canonical splice donor site variant predicted to affect pre-mRNA splicing, which may result in an abnormal transcript and altered protein product. This variant is expected to result in nonsense mediated decay, truncation, or a dysfunctional protein product. This variant is rare in the general population with a frequency below the threshold expected for the associated phenotype(s). This variant has been observed in one or more individuals affected with the associated recessive disease, as either homozygous or compound heterozygous with a second variant (PMID: 27460420). Given the available evidence, this variant is classified as Pathogenic.

Fulgent Genetics
Classification: Likely pathogenic for Usher syndrome type 1C; Autosomal recessive nonsyndromic hearing loss 18A. Last evaluated: 2024-04-04. Review status: criteria provided, single submitter. Criteria: ACMG Guidelines, 2015. Collection method: clinical testing. Allele origin: germline.

Labcorp Genetics (formerly Invitae), Labcorp
Classification: Likely pathogenic. Last evaluated: 2024-02-25. Review status: criteria provided, single submitter. Criteria: Invitae Variant Classification Sherloc (09022015). Collection method: clinical testing. Allele origin: germline.
Comment: This sequence change affects a donor splice site in intron 2 of the USH1C gene. It is expected to disrupt RNA splicing. Variants that disrupt the donor or acceptor splice site typically lead to a loss of protein function (PMID: 16199547), and loss-of-function variants in USH1C are known to be pathogenic (PMID: 10973247, 17407589, 20301442, 21203349). This variant is present in population databases (no rsID available, gnomAD 0.007%). Disruption of this splice site has been observed in individual(s) with Usher syndrome type 1C (PMID: 27460420). ClinVar contains an entry for this variant (Variation ID: 556011). Algorithms developed to predict the effect of sequence changes on RNA splicing suggest that this variant may disrupt the consensus splice site. In summary, the currently available evidence indicates that the variant is pathogenic, but additional data are needed to prove that conclusively. Therefore, this variant has been classified as Likely Pathogenic.

Clinical Genetics Laboratory, Skane University Hospital Lund
Classification: Likely pathogenic. Last evaluated: 2022-05-27. Review status: criteria provided, single submitter. Criteria: ACMG Guidelines, 2015. Collection method: clinical testing. Allele origin: germline. Affected: yes.

Counsyl
Classification: Likely pathogenic for Usher syndrome type 1C; Autosomal recessive nonsyndromic hearing loss 18A. Last evaluated: 2018-01-08. Review status: no assertion criteria provided. Collection method: clinical testing. Allele origin: unknown. Not counted in ClinVar's aggregate classification.

Literature cited by the submitters: PubMed 27460420 (cited by 3 submitters); PubMed 16199547 (cited by Labcorp Genetics (formerly Invitae), Labcorp); PubMed 10973247 (cited by Labcorp Genetics (formerly Invitae), Labcorp); PubMed 17407589 (cited by Labcorp Genetics (formerly Invitae), Labcorp); PubMed 20301442 (cited by Labcorp Genetics (formerly Invitae), Labcorp); PubMed 21203349 (cited by Labcorp Genetics (formerly Invitae), Labcorp).